The following is an entry in ClinVar:

ClinVar aggregate classification (germline): Uncertain significance. Review status: criteria provided, multiple submitters, no conflicts (2 of 4 stars). 2 submissions from 2 submitters: Uncertain significance (2). Last evaluated 2023-12-13.

Conditions:
Hereditary cancer-predisposing syndrome. Also called: Neoplastic Syndromes, Hereditary; Hereditary Cancer Syndrome; Hereditary neoplastic syndrome; Tumor predisposition. Identifiers: Orphanet 140162, MedGen C0027672, MeSH D009386, MONDO:0015356.

Allele frequency attached by ClinVar (database versions not stated): TOPMed below 0.00001; gnomAD 0.00001.

Submissions (2):

Ambry Genetics
Classification: Uncertain significance for Hereditary cancer-predisposing syndrome. Last evaluated: 2023-12-13. Review status: criteria provided, single submitter. Criteria: Ambry Variant Classification Scheme 2023. Collection method: clinical testing. Allele origin: germline.

Labcorp Genetics (formerly Invitae), Labcorp
Classification: Uncertain significance. Last evaluated: 2022-11-18. Review status: criteria provided, single submitter. Criteria: Invitae Variant Classification Sherloc (09022015). Collection method: clinical testing. Allele origin: germline.
Comment: This variant is not present in population databases (gnomAD no frequency). This sequence change replaces leucine, which is neutral and non-polar, with arginine, which is basic and polar, at codon 528 of the MSH3 protein (p.Leu528Arg). ClinVar contains an entry for this variant (Variation ID: 1058169). This variant has not been reported in the literature in individuals affected with MSH3-related conditions. Algorithms developed to predict the effect of missense changes on protein structure and function are either unavailable or do not agree on the potential impact of this missense change (SIFT: "Deleterious"; PolyPhen-2: "Possibly Damaging"; Align-GVGD: "Class C0"). In summary, the available evidence is currently insufficient to determine the role of this variant in disease. Therefore, it has been classified as a Variant of Uncertain Significance.

NM_002439.5(MSH3):c.1583T>G (p.Leu528Arg)

Gene: MSH3 (mutS homolog 3; plus strand). Cytogenetic location: 5q14.1.
Variant type: single nucleotide variant.
Coding change: c.1583T>G on transcript NM_002439.5 (MANE Select); coding-DNA position 1583, T replaced by G.
Protein change: p.Leu528Arg; replaces leucine 528 with arginine.
Molecular consequence: missense variant.
Genome position (GRCh38, 1-based): chr5:80,741,478, T>G. VCF-style: chr5-80741478-T-G. GRCh37 (hg19) VCF-style: chr5-80037297-T-G.
Other names: c.1583T>G (NM_002439.3); short protein forms L528R.
Identifiers: ClinVar variation 1058169 (VCV001058169.10), dbSNP rs1380314630, ClinGen allele CA360274445.